The following is an entry in ClinVar:

NM_001378964.1(CDON):c.350-11A>G

Gene: CDON (cell adhesion associated, oncogene regulated; minus strand). Cytogenetic location: 11q24.2.
Variant type: single nucleotide variant.
Coding change: c.350-11A>G on transcript NM_001378964.1 (MANE Select); 11 bases into the intron before coding-DNA position 350, A replaced by G.
Molecular consequence: intron variant.
Genome position (GRCh38, 1-based): chr11:126,019,776, T>C on the plus strand (A>G on the coding strand, the complement: CDON is on the minus strand). VCF-style: chr11-126019776-T-C. GRCh37 (hg19) VCF-style: chr11-125889671-T-C.
Other names: c.350-11A>G (NM_001441166.1, NM_016952.6, NM_001243597.3 and 5 more transcripts).
Identifiers: ClinVar variation 878004 (VCV000878004.13), dbSNP rs199981607, ClinGen allele CA6352349.

ClinVar aggregate classification (germline): Benign/Likely benign. Review status: criteria provided, multiple submitters, no conflicts (2 of 4 stars). 4 submissions from 4 submitters: Benign (1); Likely benign (3). Last evaluated 2025-11-25.

Conditions:
Holoprosencephaly 11 (HPE11). Identifiers: Orphanet 2162, MedGen C3280215, MONDO:0013642, OMIM 614226.

Allele frequency attached by ClinVar (database versions not stated): 1000 Genomes Project 0.00040; ExAC 0.00051; gnomAD exomes 0.00057 and 0.00093; 1000 Genomes Project 30x 0.00062; ESP Exome Variant Server 0.00069; gnomAD 0.00072; TOPMed 0.00076.
gnomAD v4.1: 1,438 of 1,605,480 alleles (0.09%); highest among the groups gnomAD compares: Admixed American, 0.14%; 1 homozygote.

Submissions (4):

Labcorp Genetics (formerly Invitae), Labcorp
Classification: Benign for Holoprosencephaly 11. Last evaluated: 2025-11-25. Review status: criteria provided, single submitter. Criteria: Invitae Variant Classification Sherloc (09022015). Collection method: clinical testing. Allele origin: germline.

Blueprint Genetics
Classification: Likely benign. Last evaluated: 2024-11-13. Review status: criteria provided, single submitter. Criteria: ACMG Guidelines, 2015. Collection method: clinical testing. Allele origin: germline.

Fulgent Genetics
Classification: Likely benign for Holoprosencephaly 11. Last evaluated: 2022-01-06. Review status: criteria provided, single submitter. Criteria: ACMG Guidelines, 2015. Collection method: clinical testing. Allele origin: unknown.

Illumina Laboratory Services, Illumina
Classification: Likely benign for Holoprosencephaly 11. Last evaluated: 2018-01-13. Review status: criteria provided, single submitter. Criteria: ICSL Variant Classification Criteria 13 December 2019. Collection method: clinical testing. Allele origin: germline.
Comment: This variant was observed in the ICSL laboratory as part of a predisposition screen in an ostensibly healthy population. It had not been previously curated by ICSL or reported in the Human Gene Mutation Database (HGMD: prior to June 1st, 2018), and was therefore a candidate for classification through an automated scoring system. Utilizing variant allele frequency, disease prevalence and penetrance estimates, and inheritance mode, an automated score was calculated to assess if this variant is too frequent to cause the disease. Based on the score and internal cut-off values, a variant classified as likely benign is not then subjected to further curation. The score for this variant resulted in a classification of likely benign for this disease.